The following is an entry in ClinVar:

NM_000165.5(GJA1):c.402G>T (p.Lys134Asn)

Gene: GJA1 (gap junction protein alpha 1; plus strand). Cytogenetic location: 6q22.31.
Variant type: single nucleotide variant.
Coding change: c.402G>T on transcript NM_000165.5 (MANE Select); coding-DNA position 402, G replaced by T.
Protein change: p.Lys134Asn; replaces lysine 134 with asparagine.
Molecular consequence: missense variant.
Genome position (GRCh38, 1-based): chr6:121,447,249, G>T. VCF-style: chr6-121447249-G-T. GRCh37 (hg19) VCF-style: chr6-121768395-G-T.
Other names: short protein forms K134N.
Identifiers: ClinVar variation 4747539 (VCV004747539.1).

ClinVar aggregate classification (germline): Likely pathogenic (1 of 4 stars; one submission).

Conditions:
Oculodentodigital dysplasia, autosomal recessive. Also called: OCULODENTOOSSEOUS DYSPLASIA, AUTOSOMAL RECESSIVE; ODDD, AUTOSOMAL RECESSIVE; ODOD, AUTOSOMAL RECESSIVE. Identifiers: Orphanet 2710, MedGen C2749477, MONDO:0009768, OMIM 257850.

Submission:

Labcorp Genetics (formerly Invitae), Labcorp
Classification: Likely pathogenic for Oculodentodigital dysplasia, autosomal recessive. Last evaluated: 2025-05-21. Review status: criteria provided, single submitter. Criteria: Invitae Variant Classification Sherloc (09022015). Collection method: clinical testing. Allele origin: germline.
Comment: This sequence change replaces lysine, which is basic and polar, with asparagine, which is neutral and polar, at codon 134 of the GJA1 protein (p.Lys134Asn). This variant is not present in population databases (gnomAD no frequency). This missense change has been observed in individuals with autosomal dominant oculodentodigital dysplasia (PMID: 14729836; internal data). Invitae Evidence Modeling of protein sequence and biophysical properties (such as structural, functional, and spatial information, amino acid conservation, physicochemical variation, residue mobility, and thermodynamic stability) indicates that this missense variant is expected to disrupt GJA1 protein function with a positive predictive value of 95%. This variant disrupts the p.Lys134 amino acid residue in GJA1. Other variant(s) that disrupt this residue have been observed in individuals with GJA1-related conditions (PMID: 12457340), which suggests that this may be a clinically significant amino acid residue. In summary, the currently available evidence indicates that the variant is pathogenic, but additional data are needed to prove that conclusively. Therefore, this variant has been classified as Likely Pathogenic.

Literature cited by the submitters: PubMed 14729836; PubMed 12457340.